The following is an entry in ClinVar:

ClinVar aggregate classification (germline): Uncertain significance (1 of 4 stars; one submission).

gnomAD v4.1: 1 of 1,614,008 alleles (0.000062%); highest among the groups gnomAD compares: Non-Finnish European, 0.000085%; no homozygotes.

Submission:

Labcorp Genetics (formerly Invitae), Labcorp
Classification: Uncertain significance. Last evaluated: 2024-03-07. Review status: criteria provided, single submitter. Criteria: Invitae Variant Classification Sherloc (09022015). Collection method: clinical testing. Allele origin: germline.
Comment: This sequence change replaces serine, which is neutral and polar, with arginine, which is basic and polar, at codon 763 of the ARID1A protein (p.Ser763Arg). This variant is not present in population databases (gnomAD no frequency). This variant has not been reported in the literature in individuals affected with ARID1A-related conditions. Advanced modeling of protein sequence and biophysical properties (such as structural, functional, and spatial information, amino acid conservation, physicochemical variation, residue mobility, and thermodynamic stability) performed at Invitae indicates that this missense variant is not expected to disrupt ARID1A protein function with a negative predictive value of 95%. In summary, the available evidence is currently insufficient to determine the role of this variant in disease. Therefore, it has been classified as a Variant of Uncertain Significance.

NM_006015.6(ARID1A):c.2289T>A (p.Ser763Arg)

Gene: ARID1A (AT-rich interaction domain 1A; plus strand). Cytogenetic location: 1p36.11.
Variant type: single nucleotide variant.
Coding change: c.2289T>A on transcript NM_006015.6 (MANE Select); coding-DNA position 2289, T replaced by A.
Protein change: p.Ser763Arg; replaces serine 763 with arginine.
Molecular consequence: missense variant.
Genome position (GRCh38, 1-based): chr1:26,762,189, T>A. VCF-style: chr1-26762189-T-A. GRCh37 (hg19) VCF-style: chr1-27088680-T-A.
Other names: c.2289T>A, p.Ser763Arg (NM_139135.4); short protein forms S763R.
Identifiers: ClinVar variation 2819528 (VCV002819528.3), dbSNP rs967053127, ClinGen allele CA339155158.
Genomic context (GRCh38, chr1:26,762,189, plus strand): 5'-ATATGGATGCTACCCACAAATAGGTTATATGCAGAGGAACCCCCAGATGCCCCAGTACAG[T>A]TCCCCCCAGCCCGGCTCAGCCTTATCTCCGCGTCAGCCTTCCGGAGGACAGATACACACA-3'
Protein context (NP_006006.3, residues 753-773): MQRNPQMPQY[Ser763Arg]SPQPGSALSP